The following is an entry in ClinVar:

NM_138477.4(CDAN1):c.3450+17A>G

Gene: CDAN1 (codanin 1; minus strand). Cytogenetic location: 15q15.2.
Variant type: single nucleotide variant.
Coding change: c.3450+17A>G on transcript NM_138477.4 (MANE Select); 17 bases into the intron after coding-DNA position 3450, A replaced by G.
Molecular consequence: intron variant.
Genome position (GRCh38, 1-based): chr15:42,725,472, T>C on the plus strand (A>G on the coding strand, the complement: CDAN1 is on the minus strand). VCF-style: chr15-42725472-T-C. GRCh37 (hg19) VCF-style: chr15-43017670-T-C.
Identifiers: ClinVar variation 1330612 (VCV001330612.21), dbSNP rs141626745, ClinGen allele CA7515145.

ClinVar aggregate classification (germline): Conflicting classifications of pathogenicity. Review status: criteria provided, conflicting classifications (1 of 4 stars). 4 submissions from 4 submitters: Uncertain significance (1); Benign (2); Likely benign (1). Last evaluated 2026-02-01.

Conditions:
Anemia, congenital dyserythropoietic, type 1a (CDAN1A). Also called: DYSERYTHROPOIETIC ANEMIA, CONGENITAL, TYPE Ia; CDAN1-Related Congenital Dyserythropoietic Anemia. Identifiers: MedGen C5574667, MONDO:0009135, OMIM 224120.

Allele frequency attached by ClinVar (database versions not stated): 1000 Genomes Project 0.00040; 1000 Genomes Project 30x 0.00094; gnomAD exomes 0.00168 and 0.00296; ExAC 0.00170; TOPMed 0.00180; gnomAD 0.00198 and 0.00210; ESP Exome Variant Server 0.00338.
gnomAD v4.1: 4,587 of 1,614,114 alleles (0.28%); highest among the groups gnomAD compares: Non-Finnish European, 0.37%; 10 homozygotes.

Submissions (4):

Labcorp Genetics (formerly Invitae), Labcorp
Classification: Benign. Last evaluated: 2026-02-01. Review status: criteria provided, single submitter. Criteria: Invitae Variant Classification Sherloc (09022015). Collection method: clinical testing. Allele origin: germline.

ARUP Laboratories, Molecular Genetics and Genomics, ARUP Laboratories
Classification: Benign for Anemia, congenital dyserythropoietic, type 1a. Last evaluated: 2025-01-02. Review status: criteria provided, single submitter. Criteria: ARUP Molecular Germline Variant Investigation Process 2024. Collection method: clinical testing. Allele origin: germline.

Blueprint Genetics
Classification: Likely benign. Last evaluated: 2024-11-27. Review status: criteria provided, single submitter. Criteria: ACMG Guidelines, 2015. Collection method: clinical testing. Allele origin: germline.

Mayo Clinic Laboratories, Mayo Clinic
Classification: Uncertain significance. Last evaluated: 2022-10-05. Review status: criteria provided, single submitter. Criteria: ACMG Guidelines, 2015. Collection method: clinical testing. Allele origin: germline. Observed: 3 variant alleles.
Comment: BP4, BP7